The following is an entry in ClinVar:

NM_000018.4(ACADVL):c.845T>C (p.Phe282Ser)

Gene: ACADVL (acyl-CoA dehydrogenase very long chain; plus strand). Cytogenetic location: 17p13.1.
Variant type: single nucleotide variant.
Coding change: c.845T>C on transcript NM_000018.4 (MANE Select); coding-DNA position 845, T replaced by C.
Protein change: p.Phe282Ser; replaces phenylalanine 282 with serine.
Molecular consequence: missense variant.
Genome position (GRCh38, 1-based): chr17:7,222,269, T>C. VCF-style: chr17-7222269-T-C. GRCh37 (hg19) VCF-style: chr17-7125588-T-C.
Other names: c.779T>C, p.Phe260Ser (NM_001033859.3); c.914T>C, p.Phe305Ser (NM_001270447.2); c.617T>C, p.Phe206Ser (NM_001270448.2); short protein forms F206S, F260S, F282S, F305S.
Identifiers: ClinVar variation 1019298 (VCV001019298.5), dbSNP rs2071268683, ClinGen allele CA397723809.

ClinVar aggregate classification (germline): Conflicting classifications of pathogenicity. Review status: criteria provided, conflicting classifications (1 of 4 stars). 2 submissions from 2 submitters: Likely pathogenic (1); Uncertain significance (1). Last evaluated 2026-04-01.

Conditions:
Very long chain acyl-CoA dehydrogenase deficiency (ACADVLD). Also called: VLCAD Deficiency; Very Long-Chain Acyl-Coenzyme A Dehydrogenase Deficiency. Identifiers: Orphanet 26793, MedGen C3887523, MONDO:0008723, OMIM 201475.

Submissions (2):

Department of Genetics, Sultan Qaboos University Hospital
Classification: Likely pathogenic for Very long chain acyl-CoA dehydrogenase deficiency. Last evaluated: 2026-04-01. Review status: criteria provided, single submitter. Criteria: ACMG Guidelines, 2015. Collection method: clinical testing. Allele origin: germline. Affected: yes. Observed: 1 variant allele.
Comment: PM2_Supporting, PP3_Strong, PP4_Moderate

Labcorp Genetics (formerly Invitae), Labcorp
Classification: Uncertain significance for Very long chain acyl-CoA dehydrogenase deficiency. Last evaluated: 2021-08-30. Review status: criteria provided, single submitter. Criteria: Invitae Variant Classification Sherloc (09022015). Collection method: clinical testing. Allele origin: germline.